The following is an entry in ClinVar:

NM_177438.3(DICER1):c.5524A>G (p.Ile1842Val)

Gene: DICER1 (dicer 1, ribonuclease III; minus strand). Cytogenetic location: 14q32.13.
Variant type: single nucleotide variant.
Coding change: c.5524A>G on transcript NM_177438.3 (MANE Select); coding-DNA position 5524, A replaced by G.
Protein change: p.Ile1842Val; replaces isoleucine 1842 with valine.
Molecular consequence: missense variant. On other transcripts: intron variant (1).
Genome position (GRCh38, 1-based): chr14:95,091,206, T>C on the plus strand (A>G on the coding strand, the complement: DICER1 is on the minus strand). VCF-style: chr14-95091206-T-C. GRCh37 (hg19) VCF-style: chr14-95557543-T-C.
Other names: NM_177438.3(DICER1):c.5524A>G; p.Ile1842Val; c.5524A>G, p.Ile1842Val (NM_001271282.3, NM_001291628.2, NM_030621.4); c.5365-97A>G (NM_001195573.1); short protein forms I1842V.
Identifiers: ClinVar variation 242139 (VCV000242139.21), dbSNP rs749059266, ClinGen allele CA7330653.

ClinVar aggregate classification (germline): Uncertain significance. Review status: reviewed by expert panel (3 of 4 stars). 4 submissions from 4 submitters: Uncertain significance (1). 3 of the submissions do not count toward it. Last evaluated 2025-06-24.

Conditions:
Global developmental delay - lung cysts - overgrowth - Wilms tumor syndrome. Also called: GLOBAL DEVELOPMENTAL DELAY, LUNG CYSTS, OVERGROWTH, AND WILMS TUMOR; GLOW Syndrome. Identifiers: Orphanet 404476, MedGen C4748924, MONDO:0018445, OMIM 618272.
Hereditary cancer-predisposing syndrome. Also called: Tumor predisposition; Neoplastic Syndromes, Hereditary; Hereditary Cancer Syndrome; Hereditary neoplastic syndrome. Identifiers: Orphanet 140162, MedGen C0027672, MeSH D009386, MONDO:0015356.
DICER1-related tumor predisposition. Also called: DICER1-related pleuropulmonary blastoma cancer predisposition syndrome; DICER1 syndrome. Identifiers: Orphanet 284343, MedGen C3839822, MONDO:0100216.

Allele frequency attached by ClinVar (database versions not stated): ExAC 0.00001; gnomAD exomes 0.00001 and 0.00002; gnomAD 0.00001.
gnomAD v4.1: 10 of 1,614,090 alleles (0.00062%); highest among the groups gnomAD compares: Non-Finnish European, 0.00085%; no homozygotes.

Submissions (4):

ClinGen DICER1 and miRNA-Processing Gene Variant Curation Expert Panel, ClinGen
Classification: Uncertain significance for DICER1-related tumor predisposition. Last evaluated: 2025-06-24. Review status: reviewed by expert panel. Criteria: ClinGen DICER1 ACMG Specifications DICER1 V1.3.0. Collection method: curation. Allele origin: germline. Inheritance: Autosomal dominant inheritance.
Comment: The NM_177438.3:c.5524A>G variant in DICER1 is a missense variant predicted to cause substitution of isoleucine by valine at amino acid 1842 (p.Ile1842Val). This variant has been seen in 10 or more unrelated females without tumors through age 50 in at least one testing laboratory (BS2_Supporting; Internal lab contributors, GTR Lab ID: 500031 and 61756). The highest population minor allele frequency in gnomAD v 4.1.0 is 0.000008474 (10/1180038 alleles) in the European (non-Finnish) population (PM2_Supporting, BS1, and BA1 are not met). This variant resides within the RNase IIIb domain (PM1_Supporting; PMID: 31342592). The splice site predictors MaxEntScan and SpliceAI indicate that the variant impacts splicing, evidence that correlates with impact to DICER1 function (PP3). Due to conflicting evidence, this variant is classified as Uncertain Significance for DICER1-related tumor predisposition based on the ACMG/AMP criteria applied, as specified by the ClinGen DICER1 VCEP: PP3, PM1_Supporting, BS2_Supporting (Bayesian Points: 1; VCEP specifications version 1.3.0; 06/24/2025).

Ambry Genetics
Classification: Uncertain significance for Hereditary cancer-predisposing syndrome. Last evaluated: 2026-06-16. Review status: criteria provided, single submitter. Criteria: Ambry Variant Classification Scheme 2023. Collection method: clinical testing. Allele origin: germline. Not counted in ClinVar's aggregate classification.
Comment: The p.I1842V variant (also known as c.5524A>G), located in coding exon 24 of the DICER1 gene, results from an A to G substitution at nucleotide position 5524. The isoleucine at codon 1842 is replaced by valine, an amino acid with highly similar properties. This amino acid position is highly conserved in available vertebrate species. In addition, the in silico prediction for this alteration is inconclusive. In silico splice site analysis predicts that this alteration will result in the creation or strengthening of a novel splice donor site. RNA studies have demonstrated that this alteration results in an incomplete splice defect; the clinical impact of this abnormal splicing is unknown at this time (Ambry internal data). Based on the available evidence, the clinical significance of this variant remains unclear.

Labcorp Genetics (formerly Invitae), Labcorp
Classification: Uncertain significance for DICER1-related tumor predisposition. Last evaluated: 2025-12-16. Review status: criteria provided, single submitter. Criteria: Invitae Variant Classification Sherloc (09022015). Collection method: clinical testing. Allele origin: germline. Not counted in ClinVar's aggregate classification.
Comment: This sequence change replaces isoleucine, which is neutral and non-polar, with valine, which is neutral and non-polar, at codon 1842 of the DICER1 protein (p.Ile1842Val). This variant is present in population databases (rs749059266, gnomAD 0.003%). This variant has not been reported in the literature in individuals affected with DICER1-related conditions. ClinVar contains an entry for this variant (Variation ID: 242139). Invitae Evidence Modeling of protein sequence and biophysical properties (such as structural, functional, and spatial information, amino acid conservation, physicochemical variation, residue mobility, and thermodynamic stability) indicates that this missense variant is not expected to disrupt DICER1 protein function with a negative predictive value of 95%. Studies have shown that this missense change is associated with inconclusive levels of altered splicing (internal data). In summary, the available evidence is currently insufficient to determine the role of this variant in disease. Therefore, it has been classified as a Variant of Uncertain Significance.

Baylor Genetics
Classification: Uncertain significance for Global developmental delay - lung cysts - overgrowth - Wilms tumor syndrome. Last evaluated: 2023-04-17. Review status: criteria provided, single submitter. Criteria: ACMG Guidelines, 2015. Collection method: clinical testing. Allele origin: unknown. Not counted in ClinVar's aggregate classification.